The following is an entry in ClinVar:

ClinVar aggregate classification (germline): Uncertain significance (1 of 4 stars; one submission).

Conditions:
Hereditary cancer-predisposing syndrome. Also called: Neoplastic Syndromes, Hereditary; Tumor predisposition; Hereditary Cancer Syndrome; Hereditary neoplastic syndrome. Identifiers: Orphanet 140162, MedGen C0027672, MeSH D009386, MONDO:0015356.

Submission:

Ambry Genetics
Classification: Uncertain significance for Hereditary cancer-predisposing syndrome. Last evaluated: 2026-03-23. Review status: criteria provided, single submitter. Criteria: Ambry Variant Classification Scheme 2023. Collection method: clinical testing. Allele origin: germline.
Comment: The c.2104_2115del12 variant (also known as p.L702_E705del) is located in coding exon 15 of the TSC1 gene. This variant results from an in-frame deletion of 12 nucleotides (TTACTCTATGAG) at positions 2104 to 2115. This results in the in-frame deletion of 4 amino acids (LLYE) at codons 702 to 705. These amino acid positions are well conserved in available vertebrate species. In addition, this variant is predicted to be deleterious by in silico analysis (Choi Y et al. PLoS ONE. 2012; 7(10):e46688). Based on the available evidence, the clinical significance of this variant remains unclear.

NM_000368.5(TSC1):c.2104_2115del (p.Leu702_Glu705del)

Gene: TSC1 (TSC complex subunit 1; minus strand). Cytogenetic location: 9q34.13.
Variant type: Deletion.
Coding change: c.2104_2115del on transcript NM_000368.5 (MANE Select); coding-DNA positions 2104 to 2115, 12 bases deleted (TTACTCTATGAG).
Protein change: p.Leu702_Glu705del.
Molecular consequence: inframe deletion. On other transcripts: non-coding transcript variant (4), inframe indel (1).
Genome position (GRCh38, 1-based): chr9:132,903,744-132,903,755, CTCATAGAGTAA deleted on the plus strand (TTACTCTATGAG on the coding strand, the reverse complement: TSC1 is on the minus strand); deleting any 12 consecutive bases within chr9:132,903,744-132,903,757 gives the same sequence; the c. name uses the placement nearest the transcript's 3' end. VCF-style (leftmost placement, unchanged base first): chr9-132903743-GCTCATAGAGTAA-G. GRCh37 (hg19) VCF-style: chr9-135779130-GCTCATAGAGTAA-G.
Other names: c.2101_2112del, p.Leu701_Glu704del (NM_001162426.2, NM_001406597.1, NM_001406598.1 and 4 more transcripts); c.1951_1962del, p.Leu651_Glu654del (NM_001162427.2, NM_001406610.1); c.1741_1752del, p.Leu581_Glu584del (NM_001362177.2, NM_001406614.1, NM_001406615.1 and 5 more transcripts); c.2104_2115del, p.Leu702_Glu705del (NM_001406592.1, NM_001406593.1, NM_001406594.1 and 5 more transcripts); c.2089_2100del, p.Leu697_Glu700del (NM_001406601.1, NM_001406602.1); c.2086_2097del, p.Leu696_Glu699del (NM_001406603.1, NM_001406604.1); c.1948_1959del, p.Leu650_Glu653del (NM_001406611.1, NM_001406612.1, NM_001406613.1); c.1738_1749del, p.Leu580_Glu583del (NM_001406620.1, NM_001406621.1, NM_001406622.1 and 2 more transcripts); and 4 more.
Identifiers: ClinVar variation 4866013 (VCV004866013.1).